The following is an entry in ClinVar:

NM_004134.7(HSPA9):c.314C>G (p.Ala105Gly)

Gene: HSPA9 (heat shock protein family A (Hsp70) member 9; minus strand). Cytogenetic location: 5q31.2.
Variant type: single nucleotide variant.
Coding change: c.314C>G on transcript NM_004134.7 (MANE Select); coding-DNA position 314, C replaced by G.
Protein change: p.Ala105Gly; replaces alanine 105 with glycine.
Molecular consequence: missense variant.
Genome position (GRCh38, 1-based): chr5:138,571,056, G>C on the plus strand (C>G on the coding strand, the complement: HSPA9 is on the minus strand). VCF-style: chr5-138571056-G-C. GRCh37 (hg19) VCF-style: chr5-137906745-G-C.
Other names: short protein forms A105G.
Identifiers: ClinVar variation 3067771 (VCV003067771.21), dbSNP rs2531784811, ClinGen allele CA361120659.

ClinVar aggregate classification (germline): Uncertain significance (1 of 4 stars; one submission).

Submission:

CeGaT Center for Human Genetics Tuebingen
Classification: Uncertain significance. Last evaluated: 2024-03-01. Review status: criteria provided, single submitter. Criteria: CeGaT Center For Human Genetics Tuebingen Variant Classification Criteria Version 2. Collection method: clinical testing. Allele origin: germline. Affected: yes. Observed: 1 variant allele.
Comment: HSPA9: PM2